The following is an entry in ClinVar:

NM_000179.3(MSH6):c.2868G>A (p.Glu956=)

Gene: MSH6 (mutS homolog 6; plus strand). Cytogenetic location: 2p16.3.
Variant type: single nucleotide variant.
Coding change: c.2868G>A on transcript NM_000179.3 (MANE Select); coding-DNA position 2868, G replaced by A.
Protein change: p.Glu956=; no amino-acid change (glutamic acid 956 retained).
Molecular consequence: synonymous variant.
Genome position (GRCh38, 1-based): chr2:47,800,851, G>A. VCF-style: chr2-47800851-G-A. GRCh37 (hg19) VCF-style: chr2-48027990-G-A.
Other names: c.2478G>A, p.Glu826= (NM_001281492.2); c.1962G>A, p.Glu654= (NM_001281493.2, NM_001281494.2).
Identifiers: ClinVar variation 795596 (VCV000795596.14), dbSNP rs1572729009, ClinGen allele CA426121967.
Genomic context (GRCh38, chr2:47,800,851, plus strand): 5'-TTATGACCAAGCTCTTGCTGACATAAGAGAAAATGAACAGAGCCTCCTGGAATACCTAGA[G>A]AAACAGCGCAACAGAATTGGCTGTAGGACCATAGTCTATTGGGGGATTGGTAGGAACCGT-3'
Protein context (NP_000170.1, residues 946-966): ENEQSLLEYL[Glu956=]KQRNRIGCRT

ClinVar aggregate classification (germline): Benign/Likely benign. Review status: criteria provided, multiple submitters, no conflicts (2 of 4 stars). 3 submissions from 3 submitters: Benign (1); Likely benign (2). Last evaluated 2025-01-03.

Conditions:
Hereditary cancer-predisposing syndrome. Also called: Neoplastic Syndromes, Hereditary; Hereditary neoplastic syndrome; Tumor predisposition; Hereditary Cancer Syndrome. Identifiers: Orphanet 140162, MedGen C0027672, MeSH D009386, MONDO:0015356.
Hereditary nonpolyposis colorectal neoplasms. Identifiers: MedGen C0009405, MeSH D003123.
Lynch syndrome 5 (LYNCH5). Also called: Colorectal cancer, hereditary nonpolyposis, type 5; Hereditary non-polyposis colorectal cancer, type 5. Identifiers: Orphanet 144, MedGen C1833477, MONDO:0013710, OMIM 614350. Disease mechanism: loss of function.

Submissions (3):

Myriad Genetics, Inc.
Classification: Benign for Lynch syndrome 5. Last evaluated: 2025-01-03. Review status: criteria provided, single submitter. Criteria: Myriad Autosomal Dominant, Autosomal Recessive and X-Linked Classification Criteria (2023). Collection method: clinical testing. Allele origin: unknown.
Comment: This variant is considered benign. This variant is a silent/synonymous amino acid change and it is not expected to impact splicing.

Ambry Genetics
Classification: Likely benign for Hereditary cancer-predisposing syndrome. Last evaluated: 2022-10-05. Review status: criteria provided, single submitter. Criteria: Ambry Variant Classification Scheme 2023. Collection method: clinical testing. Allele origin: germline.

Labcorp Genetics (formerly Invitae), Labcorp
Classification: Likely benign for Hereditary nonpolyposis colorectal neoplasms. Last evaluated: 2018-11-19. Review status: criteria provided, single submitter. Criteria: Invitae Variant Classification Sherloc (09022015). Collection method: clinical testing. Allele origin: germline.